The following is an entry in ClinVar:

NM_006899.5(IDH3B):c.1071+3G>A

Gene: IDH3B (isocitrate dehydrogenase (NAD(+)) 3 non-catalytic subunit beta; minus strand). Cytogenetic location: 20p13.
Variant type: single nucleotide variant.
Coding change: c.1071+3G>A on transcript NM_006899.5 (MANE Select); 3 bases into the intron after coding-DNA position 1071, G replaced by A.
Molecular consequence: intron variant.
Genome position (GRCh38, 1-based): chr20:2,659,522, C>T on the plus strand (G>A on the coding strand, the complement: IDH3B is on the minus strand). VCF-style: chr20-2659522-C-T. GRCh37 (hg19) VCF-style: chr20-2640168-C-T.
Other names: c.1071+3G>A (NM_174855.4, NM_001330763.2, NM_001258384.3).
Identifiers: ClinVar variation 1380718 (VCV001380718.6), dbSNP rs3180298, ClinGen allele CA310879226.

ClinVar aggregate classification (germline): Uncertain significance (1 of 4 stars; one submission).

Allele frequency attached by ClinVar (database versions not stated): gnomAD exomes below 0.00001; TOPMed 0.00001.
gnomAD v4.1: 3 of 1,614,146 alleles (0.00019%); highest among the groups gnomAD compares: Non-Finnish European, 0.00017%; no homozygotes.

Submission:

Labcorp Genetics (formerly Invitae), Labcorp
Classification: Uncertain significance. Last evaluated: 2022-06-27. Review status: criteria provided, single submitter. Criteria: Invitae Variant Classification Sherloc (09022015). Collection method: clinical testing. Allele origin: germline.
Comment: This sequence change falls in intron 11 of the IDH3B gene. It does not directly change the encoded amino acid sequence of the IDH3B protein. It affects a nucleotide within the consensus splice site. This variant is present in population databases (no rsID available, gnomAD 0.0009%). In summary, the available evidence is currently insufficient to determine the role of this variant in disease. Therefore, it has been classified as a Variant of Uncertain Significance. Variants that disrupt the consensus splice site are a relatively common cause of aberrant splicing (PMID: 17576681, 9536098). Algorithms developed to predict the effect of sequence changes on RNA splicing suggest that this variant is not likely to affect RNA splicing. This variant has not been reported in the literature in individuals affected with IDH3B-related conditions.

Literature cited by the submitters: PubMed 17576681; PubMed 9536098.